The following is an entry in ClinVar:

NM_002299.4(LCT):c.1768C>T (p.Arg590Cys)

Gene: LCT (lactase; minus strand). Cytogenetic location: 2q21.3.
Variant type: single nucleotide variant.
Coding change: c.1768C>T on transcript NM_002299.4 (MANE Select); coding-DNA position 1768, C replaced by T.
Protein change: p.Arg590Cys; replaces arginine 590 with cysteine.
Molecular consequence: missense variant.
Genome position (GRCh38, 1-based): chr2:135,812,896, G>A on the plus strand (C>T on the coding strand, the complement: LCT is on the minus strand). VCF-style: chr2-135812896-G-A. GRCh37 (hg19) VCF-style: chr2-136570466-G-A.
Other names: short protein forms R590C.
Identifiers: ClinVar variation 1917706 (VCV001917706.2), dbSNP rs1300072757, ClinGen allele CA348605417.
Genomic context (GRCh38, chr2:135,812,896, plus strand): 5'-ACAGGGGTTCTGCCCAGTCTGAGTTCAGCACAATGCCCACGTGCCCCTGCTGCTGTGGGC[G>A]ATGATGGCTGTTGTAGTGGTGCCAAGTTCTGGCATGAGCCTTGAGGACCAAGTGAGCCAC-3'
Protein context (NP_002290.2, residues 580-600): RTWHHYNSHH[Arg590Cys]PQQQGHVGIV

ClinVar aggregate classification (germline): Uncertain significance (1 of 4 stars; one submission).

Allele frequency attached by ClinVar (database versions not stated): gnomAD exomes below 0.00001; TOPMed 0.00001.
gnomAD v4.1: 9 of 1,614,188 alleles (0.00056%); highest among the groups gnomAD compares: East Asian, 0.0022%; no homozygotes.

Submission:

Labcorp Genetics (formerly Invitae), Labcorp
Classification: Uncertain significance. Last evaluated: 2022-01-01. Review status: criteria provided, single submitter. Criteria: Invitae Variant Classification Sherloc (09022015). Collection method: clinical testing. Allele origin: germline.
Comment: This sequence change replaces arginine, which is basic and polar, with cysteine, which is neutral and slightly polar, at codon 590 of the LCT protein (p.Arg590Cys). This variant is present in population databases (no rsID available, gnomAD 0.002%). This variant has not been reported in the literature in individuals affected with LCT-related conditions. Algorithms developed to predict the effect of missense changes on protein structure and function are either unavailable or do not agree on the potential impact of this missense change (SIFT: "Not Available"; PolyPhen-2: "Probably Damaging"; Align-GVGD: "Not Available"). In summary, the available evidence is currently insufficient to determine the role of this variant in disease. Therefore, it has been classified as a Variant of Uncertain Significance.